The following is an entry in ClinVar:

NM_032043.3(BRIP1):c.3250A>T (p.Thr1084Ser)

Gene: BRIP1 (BRCA1 interacting DNA helicase 1; minus strand). Cytogenetic location: 17q23.2.
Variant type: single nucleotide variant.
Coding change: c.3250A>T on transcript NM_032043.3 (MANE Select); coding-DNA position 3250, A replaced by T.
Protein change: p.Thr1084Ser; replaces threonine 1084 with serine.
Molecular consequence: missense variant.
Genome position (GRCh38, 1-based): chr17:61,683,796, T>A on the plus strand (A>T on the coding strand, the complement: BRIP1 is on the minus strand). VCF-style: chr17-61683796-T-A. GRCh37 (hg19) VCF-style: chr17-59761157-T-A.
Other names: short protein forms T1084S.
Identifiers: ClinVar variation 4630987 (VCV004630987.1).

ClinVar aggregate classification (germline): Uncertain significance (1 of 4 stars; one submission).

Conditions:
Hereditary cancer-predisposing syndrome. Also called: Neoplastic Syndromes, Hereditary; Tumor predisposition; Hereditary Cancer Syndrome; Hereditary neoplastic syndrome. Identifiers: Orphanet 140162, MedGen C0027672, MeSH D009386, MONDO:0015356.

Submission:

Ambry Genetics
Classification: Uncertain significance for Hereditary cancer-predisposing syndrome. Last evaluated: 2025-10-22. Review status: criteria provided, single submitter. Criteria: Ambry Variant Classification Scheme 2023. Collection method: clinical testing. Allele origin: germline.
Comment: The p.T1084S variant (also known as c.3250A>T), located in coding exon 19 of the BRIP1 gene, results from an A to T substitution at nucleotide position 3250. The threonine at codon 1084 is replaced by serine, an amino acid with similar properties. This amino acid position is conserved. In addition, this alteration is predicted to be tolerated by in silico analysis. Based on the available evidence, the clinical significance of this variant remains unclear.